The following is an entry in ClinVar:

ClinVar aggregate classification (germline): Uncertain significance (1 of 4 stars; one submission).

Conditions:
Acyl-CoA oxidase deficiency. Also called: STRAIGHT-CHAIN ACYL-CoA OXIDASE DEFICIENCY; Peroxisomal acyl-CoA oxidase deficiency; Pseudoneonatal adrenoleukodystrophy. Identifiers: Orphanet 2971, MedGen C1849678, MONDO:0009919, OMIM 264470. Disease mechanism: loss of function.

Allele frequency attached by ClinVar (database versions not stated): gnomAD exomes 0.00001; ExAC 0.00002; TOPMed 0.00002; 1000 Genomes Project 30x 0.00016; 1000 Genomes Project 0.00020.
gnomAD v4.1: 9 of 1,614,170 alleles (0.00056%); highest among the groups gnomAD compares: Non-Finnish European, 0.00076%; no homozygotes.

Submission:

Labcorp Genetics (formerly Invitae), Labcorp
Classification: Uncertain significance for Acyl-CoA oxidase deficiency. Last evaluated: 2021-08-24. Review status: criteria provided, single submitter. Criteria: Invitae Variant Classification Sherloc (09022015). Collection method: clinical testing. Allele origin: germline.
Comment: This sequence change replaces methionine with valine at codon 474 of the ACOX1 protein (p.Met474Val). The methionine residue is weakly conserved and there is a small physicochemical difference between methionine and valine. This variant is present in population databases (rs201177699, ExAC 0.01%). This variant has not been reported in the literature in individuals affected with ACOX1-related conditions. Algorithms developed to predict the effect of missense changes on protein structure and function output the following: SIFT: "Tolerated"; PolyPhen-2: "Benign"; Align-GVGD: "Class C0". The valine amino acid residue is found in multiple mammalian species, which suggests that this missense change does not adversely affect protein function. In summary, the available evidence is currently insufficient to determine the role of this variant in disease. Therefore, it has been classified as a Variant of Uncertain Significance.

NM_004035.7(ACOX1):c.1420A>G (p.Met474Val)

Gene: ACOX1 (acyl-CoA oxidase 1; minus strand). Cytogenetic location: 17q25.1.
Variant type: single nucleotide variant.
Coding change: c.1420A>G on transcript NM_004035.7 (MANE Select); coding-DNA position 1420, A replaced by G.
Protein change: p.Met474Val; replaces methionine 474 with valine.
Molecular consequence: missense variant.
Genome position (GRCh38, 1-based): chr17:75,949,776, T>C on the plus strand (A>G on the coding strand, the complement: ACOX1 is on the minus strand). VCF-style: chr17-75949776-T-C. GRCh37 (hg19) VCF-style: chr17-73945857-T-C.
Other names: c.1306A>G, p.Met436Val (NM_001185039.2); c.1420A>G, p.Met474Val (NM_007292.6); short protein forms M436V, M474V.
Identifiers: ClinVar variation 1397032 (VCV001397032.5), dbSNP rs201177699, ClinGen allele CA8776780.